The following is an entry in ClinVar:

ClinVar aggregate classification (germline): Uncertain significance. Review status: criteria provided, multiple submitters, no conflicts (2 of 4 stars). 3 submissions from 3 submitters: Uncertain significance (3). Last evaluated 2021-04-26.

Conditions:
Cardiomyopathy (CMYO). Also called: Cardiomyopathies. Identifiers: Orphanet 167848, MedGen C0878544, MONDO:0004994, HP:0001638. Inheritance: Various modes of inheritance.

Allele frequency attached by ClinVar (database versions not stated): gnomAD exomes below 0.00001 and 0.00001.
gnomAD v4.1: 17 of 1,611,472 alleles (0.0011%); highest among the groups gnomAD compares: Non-Finnish European, 0.0014%; no homozygotes.

Submissions (3):

Blueprint Genetics
Classification: Uncertain significance. Last evaluated: 2021-04-26. Review status: criteria provided, single submitter. Criteria: ACMG Guidelines, 2015. Collection method: clinical testing. Allele origin: germline.

CHEO Genetics Diagnostic Laboratory, Children's Hospital of Eastern Ontario
Classification: Uncertain significance for Cardiomyopathy. Last evaluated: 2019-04-05. Review status: criteria provided, single submitter. Criteria: ACMG Guidelines, 2015. Collection method: clinical testing. Allele origin: germline.

GeneDx
Classification: Uncertain significance. Last evaluated: 2018-02-08. Review status: criteria provided, single submitter. Criteria: GeneDx Variant Classification (06012015). Collection method: clinical testing. Allele origin: germline. Affected: yes.
Comment: A variant of uncertain significance has been identified in the TNNI3 gene. The G70R variant has not been published as pathogenic or been reported as benign to our knowledge. This variant is also not observed at a significant frequency in large population cohorts (Lek et al., 2016). The G70R variant is a non-conservative amino acid substitution, which is likely to impact secondary protein structure as these residues differ in polarity, charge, size and/or other properties. However, in-silico analyses, including protein predictors and evolutionary conservation, support that this variant does not alter protein structure/function.

NM_000363.5(TNNI3):c.208G>A (p.Gly70Arg)

Gene: TNNI3 (troponin I3, cardiac type; minus strand). Cytogenetic location: 19q13.42.
Variant type: single nucleotide variant.
Coding change: c.208G>A on transcript NM_000363.5 (MANE Select); coding-DNA position 208, G replaced by A.
Protein change: p.Gly70Arg; replaces glycine 70 with arginine.
Molecular consequence: missense variant.
Genome position (GRCh38, 1-based): chr19:55,156,275, C>T on the plus strand (G>A on the coding strand, the complement: TNNI3 is on the minus strand). VCF-style: chr19-55156275-C-T. GRCh37 (hg19) VCF-style: chr19-55667643-C-T.
Other names: p.G70R:GGA>AGA; c.208G>A (LRG_432t1); short protein forms G70R.
Identifiers: ClinVar variation 181574 (VCV000181574.5), dbSNP rs730881067, ClinGen allele CA021374.